The following is an entry in ClinVar:

ClinVar aggregate classification (germline): Conflicting classifications of pathogenicity. Review status: criteria provided, conflicting classifications (1 of 4 stars). 3 submissions from 3 submitters: Pathogenic (2); Uncertain significance (1). Last evaluated 2023-06-05.

Allele frequency attached by ClinVar (database versions not stated): gnomAD exomes below 0.00001; gnomAD 0.00001.
gnomAD v4.1: 8 of 1,614,030 alleles (0.0005%); highest among the groups gnomAD compares: Non-Finnish European, 0.00068%; no homozygotes.

Submissions (3):

Women's Health and Genetics/Laboratory Corporation of America, LabCorp
Classification: Uncertain significance. Last evaluated: 2023-06-05. Review status: criteria provided, single submitter. Criteria: LabCorp Variant Classification Summary - May 2015. Collection method: clinical testing. Allele origin: germline.
Comment: Variant summary: UGT1A1 c.1130G>T (p.Gly377Val) results in a non-conservative amino acid change in the encoded protein sequence. Five of five in-silico tools predict a damaging effect of the variant on protein function. The variant was absent in 249054 control chromosomes. c.1130G>T has been reported in the literature as a non-informative genotype (second allele not specified) (Kadakol_2000), in compound heterozygosity with other putatively pathogenic and/or VUS UGT1A1 variants (Servedio_2005, Li_2015), reportedly in cis with another UGT1A1 variant (Perretti_2007) in individuals affected with Crigler-Najjar syndrome. These data indicate that the variant may be associated with disease. To our knowledge, no experimental evidence demonstrating an impact on protein function has been reported. The following publications have been ascertained in the context of this evaluation (PMID: 11013440, 25993113, 18058623, 15712364). Two clinical diagnostic laboratories have submitted clinical-significance assessments for this variant to ClinVar after 2014 without evidence for independent evaluation. All laboratories classified the variant as pathogenic. Based on the evidence outlined above, the variant was classified as VUS-possibly pathogenic.

Labcorp Genetics (formerly Invitae), Labcorp
Classification: Pathogenic. Last evaluated: 2021-08-31. Review status: criteria provided, single submitter. Criteria: Invitae Variant Classification Sherloc (09022015). Collection method: clinical testing. Allele origin: germline.
Comment: For these reasons, this variant has been classified as Pathogenic. Algorithms developed to predict the effect of missense changes on protein structure and function are either unavailable or do not agree on the potential impact of this missense change (SIFT: "Not Available"; PolyPhen-2: "Probably Damaging"; Align-GVGD: "Not Available"). This variant has been observed in individual(s) with Crigler-Najjar syndrome type 2 (PMID: 11013440, 15712364, 18058623). In at least one individual the data is consistent with the variant being in trans (on the opposite chromosome) from a pathogenic variant. This variant is not present in population databases (ExAC no frequency). This sequence change replaces glycine with valine at codon 377 of the UGT1A1 protein (p.Gly377Val). The glycine residue is highly conserved and there is a moderate physicochemical difference between glycine and valine.

Genetic Services Laboratory, University of Chicago
Classification: Pathogenic. Last evaluated: 2018-01-02. Review status: criteria provided, single submitter. Criteria: ACMG Guidelines, 2015. Collection method: clinical testing. Allele origin: germline. Affected: yes.

Literature cited by the submitters: PubMed 11013440 (cited by Women's Health and Genetics/Laboratory Corporation of America, LabCorp and Labcorp Genetics (formerly Invitae), Labcorp); PubMed 25993113 (cited by Women's Health and Genetics/Laboratory Corporation of America, LabCorp); PubMed 18058623 (cited by Women's Health and Genetics/Laboratory Corporation of America, LabCorp and Labcorp Genetics (formerly Invitae), Labcorp); PubMed 15712364 (cited by Women's Health and Genetics/Laboratory Corporation of America, LabCorp and Labcorp Genetics (formerly Invitae), Labcorp).

NM_000463.3(UGT1A1):c.1130G>T (p.Gly377Val)

Genes: UGT1A (UDP glucuronosyltransferase family 1 member A complex locus; plus strand), UGT1A1 (UDP glucuronosyltransferase family 1 member A1; plus strand), UGT1A10 (UDP glucuronosyltransferase family 1 member A10; plus strand), UGT1A3 (UDP glucuronosyltransferase family 1 member A3; plus strand), UGT1A4 (UDP glucuronosyltransferase family 1 member A4; plus strand) and 5 more. Cytogenetic location: 2q37.1.
Variant type: single nucleotide variant.
Coding change: c.1130G>T on transcript NM_000463.3 (MANE Select); coding-DNA position 1130, G replaced by T.
Protein change: p.Gly377Val; replaces glycine 377 with valine.
Molecular consequence: missense variant.
Genome position (GRCh38, 1-based): chr2:233,768,265, G>T. VCF-style: chr2-233768265-G-T. GRCh37 (hg19) VCF-style: chr2-234676911-G-T.
Other names: c.1121G>T, p.Gly374Val (NM_019075.4, NM_019076.5, NM_019077.3 and 1 more transcripts); c.1127G>T, p.Gly376Val (NM_001072.4); c.326G>T, p.Gly109Val (NM_205862.3); c.1133G>T, p.Gly378Val (NM_019078.2, NM_007120.3, NM_019093.4); short protein forms G109V, G374V, G376V, G377V, G378V.
Identifiers: ClinVar variation 1338358 (VCV001338358.12), dbSNP rs1283652721, ClinGen allele CA351073967.